The following is an entry in ClinVar:

NM_005732.4(RAD50):c.1931G>A (p.Arg644Lys)

Gene: RAD50 (RAD50 double strand break repair protein; plus strand). Cytogenetic location: 5q31.1.
Variant type: single nucleotide variant.
Coding change: c.1931G>A on transcript NM_005732.4 (MANE Select); coding-DNA position 1931, G replaced by A.
Protein change: p.Arg644Lys; replaces arginine 644 with lysine.
Molecular consequence: missense variant.
Genome position (GRCh38, 1-based): chr5:132,595,006, G>A. VCF-style: chr5-132595006-G-A. GRCh37 (hg19) VCF-style: chr5-131930698-G-A.
Other names: c.1931G>A (NM_005732.3); short protein forms R644K.
Identifiers: ClinVar variation 2830881 (VCV002830881.4), dbSNP rs2479650140, ClinGen allele CA360948343.

ClinVar aggregate classification (germline): Uncertain significance. Review status: criteria provided, multiple submitters, no conflicts (2 of 4 stars). 2 submissions from 2 submitters: Uncertain significance (2). Last evaluated 2024-12-21.

Conditions:
Hereditary cancer-predisposing syndrome. Also called: Neoplastic Syndromes, Hereditary; Tumor predisposition; Hereditary Cancer Syndrome; Hereditary neoplastic syndrome. Identifiers: Orphanet 140162, MedGen C0027672, MeSH D009386, MONDO:0015356.

Submissions (2):

Ambry Genetics
Classification: Uncertain significance for Hereditary cancer-predisposing syndrome. Last evaluated: 2024-12-21. Review status: criteria provided, single submitter. Criteria: Ambry Variant Classification Scheme 2023. Collection method: clinical testing. Allele origin: germline.
Comment: The p.R644K variant (also known as c.1931G>A), located in coding exon 12 of the RAD50 gene, results from a G to A substitution at nucleotide position 1931. The arginine at codon 644 is replaced by lysine, an amino acid with highly similar properties. This amino acid position is conserved. In addition, this alteration is predicted to be tolerated by in silico analysis. Based on the available evidence, the clinical significance of this variant remains unclear.

Labcorp Genetics (formerly Invitae), Labcorp
Classification: Uncertain significance for Hereditary cancer-predisposing syndrome. Last evaluated: 2023-01-21. Review status: criteria provided, single submitter. Criteria: Invitae Variant Classification Sherloc (09022015). Collection method: clinical testing. Allele origin: germline.
Comment: In summary, the available evidence is currently insufficient to determine the role of this variant in disease. Therefore, it has been classified as a Variant of Uncertain Significance. Advanced modeling of protein sequence and biophysical properties (such as structural, functional, and spatial information, amino acid conservation, physicochemical variation, residue mobility, and thermodynamic stability) performed at Invitae indicates that this missense variant is not expected to disrupt RAD50 protein function. This variant has not been reported in the literature in individuals affected with RAD50-related conditions. This variant is not present in population databases (gnomAD no frequency). This sequence change replaces arginine, which is basic and polar, with lysine, which is basic and polar, at codon 644 of the RAD50 protein (p.Arg644Lys).